The following is an entry in ClinVar:

ClinVar aggregate classification (germline): Uncertain significance (1 of 4 stars; one submission).

Submission:

Labcorp Genetics (formerly Invitae), Labcorp
Classification: Uncertain significance. Last evaluated: 2023-11-15. Review status: criteria provided, single submitter. Criteria: Invitae Variant Classification Sherloc (09022015). Collection method: clinical testing. Allele origin: germline.
Comment: This sequence change replaces asparagine, which is neutral and polar, with serine, which is neutral and polar, at codon 665 of the TRPC6 protein (p.Asn665Ser). This variant is not present in population databases (gnomAD no frequency). This variant has not been reported in the literature in individuals affected with TRPC6-related conditions. Advanced modeling of protein sequence and biophysical properties (such as structural, functional, and spatial information, amino acid conservation, physicochemical variation, residue mobility, and thermodynamic stability) performed at Invitae indicates that this missense variant is not expected to disrupt TRPC6 protein function with a negative predictive value of 80%. In summary, the available evidence is currently insufficient to determine the role of this variant in disease. Therefore, it has been classified as a Variant of Uncertain Significance.

NM_004621.6(TRPC6):c.1994A>G (p.Asn665Ser)

Gene: TRPC6 (transient receptor potential cation channel subfamily C member 6; minus strand). Cytogenetic location: 11q22.1.
Variant type: single nucleotide variant.
Coding change: c.1994A>G on transcript NM_004621.6 (MANE Select); coding-DNA position 1994, A replaced by G.
Protein change: p.Asn665Ser; replaces asparagine 665 with serine.
Molecular consequence: missense variant.
Genome position (GRCh38, 1-based): chr11:101,473,524, T>C on the plus strand (A>G on the coding strand, the complement: TRPC6 is on the minus strand). VCF-style: chr11-101473524-T-C. GRCh37 (hg19) VCF-style: chr11-101344255-T-C.
Other names: short protein forms N665S.
Identifiers: ClinVar variation 2771483 (VCV002771483.3), dbSNP rs2497336788, ClinGen allele CA382439980.